The following is an entry in ClinVar:

ClinVar aggregate classification (germline): Uncertain significance. Review status: criteria provided, multiple submitters, no conflicts (2 of 4 stars). 2 submissions from 2 submitters: Uncertain significance (2). Last evaluated 2024-06-30.

Conditions:
Primary ciliary dyskinesia. Also called: Ciliary dyskinesia. Identifiers: Orphanet 244, MedGen C0008780, MONDO:0016575, HP:0012265.

Allele frequency attached by ClinVar (database versions not stated): ExAC 0.00001.
gnomAD v4.1: 4 of 1,610,976 alleles (0.00025%); highest among the groups gnomAD compares: Admixed American, 0.0067%; no homozygotes.

Submissions (2):

Labcorp Genetics (formerly Invitae), Labcorp
Classification: Uncertain significance for Primary ciliary dyskinesia. Last evaluated: 2024-06-30. Review status: criteria provided, single submitter. Criteria: Invitae Variant Classification Sherloc (09022015). Collection method: clinical testing. Allele origin: germline.
Comment: This sequence change replaces valine, which is neutral and non-polar, with methionine, which is neutral and non-polar, at codon 3162 of the DNAH11 protein (p.Val3162Met). This variant is present in population databases (rs761864384, gnomAD 0.01%). This variant has not been reported in the literature in individuals affected with DNAH11-related conditions. An algorithm developed to predict the effect of missense changes on protein structure and function (PolyPhen-2) suggests that this variant is likely to be disruptive. In summary, the available evidence is currently insufficient to determine the role of this variant in disease. Therefore, it has been classified as a Variant of Uncertain Significance.

Ambry Genetics
Classification: Uncertain significance for Primary ciliary dyskinesia. Last evaluated: 2023-03-13. Review status: criteria provided, single submitter. Criteria: Ambry Variant Classification Scheme 2023. Collection method: clinical testing. Allele origin: germline.

NM_001277115.2(DNAH11):c.9484G>A (p.Val3162Met)

Gene: DNAH11 (dynein axonemal heavy chain 11; plus strand). Cytogenetic location: 7p15.3.
Variant type: single nucleotide variant.
Coding change: c.9484G>A on transcript NM_001277115.2 (MANE Select); coding-DNA position 9484, G replaced by A.
Protein change: p.Val3162Met; replaces valine 3162 with methionine.
Molecular consequence: missense variant.
Genome position (GRCh38, 1-based): chr7:21,784,427, G>A. VCF-style: chr7-21784427-G-A. GRCh37 (hg19) VCF-style: chr7-21824045-G-A.
Other names: c.9505G>A, p.Val3169Met (NM_003777.3); short protein forms V3162M, V3169M.
Identifiers: ClinVar variation 3083528 (VCV003083528.2), dbSNP rs761864384, ClinGen allele CA4182007.